The following is an entry in ClinVar:

ClinVar aggregate classification (germline): Pathogenic/Likely pathogenic. Review status: criteria provided, multiple submitters, no conflicts (2 of 4 stars). 2 submissions from 2 submitters: Pathogenic (1); Likely pathogenic (1). Last evaluated 2025-10-07.

Conditions:
Hydrocephalus, congenital, 3, with brain anomalies. Also called: HYDROCEPHALUS, NONSYNDROMIC, AUTOSOMAL RECESSIVE 3. Identifiers: MedGen C4747885, MONDO:0054794, OMIM 617967.
Cerebellar ataxia, impaired intellectual development, and dysequilibrium syndrome 2. Also called: CEREBELLAR ATAXIA, MENTAL RETARDATION, AND DYSEQUILIBRIUM SYNDROME 2; CEREBELLAR ATAXIA AND MENTAL RETARDATION WITH OR WITHOUT QUADRUPEDAL LOCOMOTION 2; Cerebellar ataxia, intellectual disability, and dysequilibrium syndrome 2. Identifiers: Orphanet 1766, MedGen C2750234, MONDO:0012430, OMIM 610185.

Submissions (2):

Victorian Clinical Genetics Services, Murdoch Childrens Research Institute
Classification: Pathogenic for Cerebellar ataxia, impaired intellectual development, and dysequilibrium syndrome 2. Last evaluated: 2025-10-07. Review status: criteria provided, single submitter. Criteria: ACMG Guidelines, 2015. Collection method: clinical testing. Allele origin: germline. Affected: yes.
Comment: This variant is classified as Pathogenic. Evidence in support of pathogenic classification: Variant is predicted to cause nonsense-mediated decay (NMD) and loss of protein (premature termination codon is located at least 54 nucleotides upstream of the final exon-exon junction); Variant is absent from gnomAD (both v2 and v3); This variant has limited previous evidence of pathogenicity in an unrelated individual(s). This variant has been classified as likely pathogenic by a clinical laboratory in ClinVar; Other NMD-predicted variants comparable to the one identified in this case have very strong previous evidence for pathogenicity. More than ten other variants predicted to result in a loss of function have previously been reported in individuals with WDR81-related neurodevelopmental disorders (DECIPHER, PMID: 28969387). - Variant is located in a gene associated with a severe early-onset recessive condition that is intolerant to biallelic loss of function variants (gnomAD, OMIM); Strong phenotype match for this individual. Additional information: This variant is heterozygous; This gene is associated with autosomal recessive disease; Loss of function is a known mechanism of disease in this gene and is associated with cerebellar ataxia, impaired intellectual development, and dysquilibrium syndrome 2 (MIM#610185) and hydrocephalus, congenital, 3, with brain anomalies (MIM#617967).

Genetics and Molecular Pathology, SA Pathology
Classification: Likely pathogenic for Hydrocephalus, congenital, 3, with brain anomalies. Last evaluated: 2021-06-23. Review status: criteria provided, single submitter. Criteria: ACMG Guidelines, 2015. Collection method: clinical testing. Allele origin: germline. Inheritance: Autosomal recessive inheritance. Affected: yes.
Comment: The WDR81 c.3843C>A variant is a single nucleotide change in exon 3 of 10 which is predicted to result in a premature termination of the protein product at codon 1281. This is a predicted null variant for all biologically relevant transcripts and null variants in this gene are a known mechanism of disease (PVS1). The gene is constraint for loss-of-function variants and other nonsense/ stop gain variants have been reported downstream of this variant. This variant is absent from population databases (PM2). This variant has not been reported in dbSNP, ClinVar or HGMD.

Literature cited by the submitters: PubMed 28969387 (cited by Victorian Clinical Genetics Services, Murdoch Childrens Research Institute).

NM_001163809.2(WDR81):c.3843C>A (p.Tyr1281Ter)

Gene: WDR81 (WD repeat domain 81; plus strand). Cytogenetic location: 17p13.3.
Variant type: single nucleotide variant.
Coding change: c.3843C>A on transcript NM_001163809.2 (MANE Select); coding-DNA position 3843, C replaced by A.
Protein change: p.Tyr1281Ter; replaces tyrosine 1281 with a stop codon.
Molecular consequence: nonsense.
Genome position (GRCh38, 1-based): chr17:1,730,822, C>A. VCF-style: chr17-1730822-C-A. GRCh37 (hg19) VCF-style: chr17-1634116-C-A.
Other names: c.234C>A, p.Tyr78Ter (NM_001163673.2); c.162C>A, p.Tyr54Ter (NM_001163811.2); c.690C>A, p.Tyr230Ter (NM_152348.4); c.234C>A (NM_001163673.1); short protein forms Y1281*, Y230*, Y54*, Y78*.
Identifiers: ClinVar variation 1698908 (VCV001698908.6), dbSNP rs2151169266, ClinGen allele CA397596272.